The following is an entry in ClinVar:

NM_018979.4(WNK1):c.1701G>C (p.Arg567Ser)

Gene: WNK1 (WNK lysine deficient protein kinase 1; plus strand). Cytogenetic location: 12p13.33.
Variant type: single nucleotide variant.
Coding change: c.1701G>C on transcript NM_018979.4 (MANE Select); coding-DNA position 1701, G replaced by C.
Protein change: p.Arg567Ser; replaces arginine 567 with serine.
Molecular consequence: missense variant.
Genome position (GRCh38, 1-based): chr12:861,093, G>C. VCF-style: chr12-861093-G-C. GRCh37 (hg19) VCF-style: chr12-970259-G-C.
Other names: p.Arg567Ser; c.1701G>C, p.Arg567Ser (NM_001184985.2, NM_014823.3, NM_213655.5); short protein forms R567S.
Identifiers: ClinVar variation 965110 (VCV000965110.11), dbSNP rs1280224791, ClinGen allele CA383334868.

ClinVar aggregate classification (germline): Uncertain significance. Review status: criteria provided, multiple submitters, no conflicts (2 of 4 stars). 3 submissions from 3 submitters: Uncertain significance (3). Last evaluated 2024-11-13.

Conditions:
Neuropathy, hereditary sensory and autonomic, type 2A (HSAN2A). Also called: ACROOSTEOLYSIS, GIACCAI TYPE; ACROOSTEOLYSIS, NEUROGENIC; WNK1-Related HSAN2 (HSAN2A); HSAN IIA; MORVAN DISEASE; NEUROPATHY, CONGENITAL SENSORY. Identifiers: Orphanet 970, MedGen C2752089, MONDO:0024309, OMIM 201300.
Pseudohypoaldosteronism type 2C (PHA2C). Also called: Pseudohypoaldosteronism Type IIC. Identifiers: Orphanet 757, Orphanet 88940, MedGen C1840391, MONDO:0013778, OMIM 614492.

Allele frequency attached by ClinVar (database versions not stated): gnomAD 0.00001; TOPMed 0.00002.
gnomAD v4.1: 11 of 1,613,660 alleles (0.00068%); highest among the groups gnomAD compares: Non-Finnish European, 0.00093%; no homozygotes.

Submissions (3):

Mayo Clinic Laboratories, Mayo Clinic
Classification: Uncertain significance. Last evaluated: 2024-11-13. Review status: criteria provided, single submitter. Criteria: ACMG Guidelines, 2015. Collection method: clinical testing. Allele origin: germline. Observed: 1 variant allele.

Labcorp Genetics (formerly Invitae), Labcorp
Classification: Uncertain significance for Neuropathy, hereditary sensory and autonomic, type 2A; Pseudohypoaldosteronism type 2C. Last evaluated: 2022-06-10. Review status: criteria provided, single submitter. Criteria: Invitae Variant Classification Sherloc (09022015). Collection method: clinical testing. Allele origin: germline.
Comment: In summary, the available evidence is currently insufficient to determine the role of this variant in disease. Therefore, it has been classified as a Variant of Uncertain Significance. Advanced modeling of protein sequence and biophysical properties (such as structural, functional, and spatial information, amino acid conservation, physicochemical variation, residue mobility, and thermodynamic stability) performed at Invitae indicates that this missense variant is not expected to disrupt WNK1 protein function. ClinVar contains an entry for this variant (Variation ID: 965110). This variant has not been reported in the literature in individuals affected with WNK1-related conditions. This variant is present in population databases (no rsID available, gnomAD 0.0009%). This sequence change replaces arginine, which is basic and polar, with serine, which is neutral and polar, at codon 567 of the WNK1 protein (p.Arg567Ser).

Fulgent Genetics
Classification: Uncertain significance for Neuropathy, hereditary sensory and autonomic, type 2A; Pseudohypoaldosteronism type 2C. Last evaluated: 2022-03-28. Review status: criteria provided, single submitter. Criteria: ACMG Guidelines, 2015. Collection method: clinical testing. Allele origin: unknown.